The following is an entry in ClinVar:

NM_199420.4(POLQ):c.3301G>A (p.Val1101Ile)

Gene: POLQ (DNA polymerase theta; minus strand). Cytogenetic location: 3q13.33.
Variant type: single nucleotide variant.
Coding change: c.3301G>A on transcript NM_199420.4 (MANE Select); coding-DNA position 3301, G replaced by A.
Protein change: p.Val1101Ile; replaces valine 1101 with isoleucine.
Molecular consequence: missense variant.
Genome position (GRCh38, 1-based): chr3:121,489,630, C>T on the plus strand (G>A on the coding strand, the complement: POLQ is on the minus strand). VCF-style: chr3-121489630-C-T. GRCh37 (hg19) VCF-style: chr3-121208477-C-T.
Other names: short protein forms V1101I.
Identifiers: ClinVar variation 1729991 (VCV001729991.2), dbSNP rs2546787574, ClinGen allele CA354100778.
Genomic context (GRCh38, chr3:121,489,630, plus strand): 5'-TTTGCTTTATTTGTAATGGGAATGATGTTTTATTATCTTTTTCCTTACCACTCAAAGATA[C>T]ATTTTTAGCAAATGGCCCTGAATTTCTAAATTCCGTTTTCTTCTCATCTAAGGTAAACGG-3'
Protein context (NP_955452.3, residues 1091-1111): FRNSGPFAKN[Val1101Ile]SLSGKEKDNK

ClinVar aggregate classification (germline): Uncertain significance (1 of 4 stars; one submission).

Allele frequency attached by ClinVar (database versions not stated): gnomAD exomes below 0.00001; gnomAD 0.00001.
gnomAD v4.1: 2 of 1,613,790 alleles (0.00012%); highest among the groups gnomAD compares: East Asian, 0.0022%; no homozygotes.

Submission:

Ambry Genetics
Classification: Uncertain significance. Last evaluated: 2021-12-01. Review status: criteria provided, single submitter. Criteria: Ambry Variant Classification Scheme 2023. Collection method: clinical testing. Allele origin: germline.
Comment: The p.V1101I variant (also known as c.3301G>A), located in coding exon 16 of the POLQ gene, results from a G to A substitution at nucleotide position 3301. The valine at codon 1101 is replaced by isoleucine, an amino acid with highly similar properties. This amino acid position is conserved. In addition, this alteration is predicted to be tolerated by in silico analysis. Since supporting evidence is limited at this time, the clinical significance of this alteration remains unclear.